The following is an entry in ClinVar:

NM_032776.3(JMJD1C):c.3971C>T (p.Ala1324Val)

Gene: JMJD1C (jumonji domain containing 1C; minus strand). Cytogenetic location: 10q21.3.
Variant type: single nucleotide variant.
Coding change: c.3971C>T on transcript NM_032776.3 (MANE Select); coding-DNA position 3971, C replaced by T.
Protein change: p.Ala1324Val; replaces alanine 1324 with valine.
Molecular consequence: missense variant. On other transcripts: non-coding transcript variant (1).
Genome position (GRCh38, 1-based): chr10:63,207,698, G>A on the plus strand (C>T on the coding strand, the complement: JMJD1C is on the minus strand). VCF-style: chr10-63207698-G-A. GRCh37 (hg19) VCF-style: chr10-64967458-G-A.
Other names: c.3425C>T, p.Ala1142Val (NM_001318154.2, NM_001282948.2); c.3857C>T, p.Ala1286Val (NM_001322252.2); c.3314C>T, p.Ala1105Val (NM_001322254.2, NM_001322258.2); c.3107C>T, p.Ala1036Val (NM_001318153.2); short protein forms A1036V, A1105V, A1142V, A1286V, A1324V.
Identifiers: ClinVar variation 1008576 (VCV001008576.8), dbSNP rs1846806848, ClinGen allele CA377039049.

ClinVar aggregate classification (germline): Uncertain significance (1 of 4 stars; one submission).

Conditions:
Early Myoclonic Encephalopathy. Identifiers: MedGen C0270855.

Allele frequency attached by ClinVar (database versions not stated): gnomAD exomes 0.00001.
gnomAD v4.1: 15 of 1,614,150 alleles (0.00093%); highest among the groups gnomAD compares: Non-Finnish European, 0.0013%; no homozygotes.

Submission:

Labcorp Genetics (formerly Invitae), Labcorp
Classification: Uncertain significance for Early Myoclonic Encephalopathy. Last evaluated: 2020-04-28. Review status: criteria provided, single submitter. Criteria: Invitae Variant Classification Sherloc (09022015). Collection method: clinical testing. Allele origin: germline.
Comment: This sequence change replaces alanine with valine at codon 1324 of the JMJD1C protein (p.Ala1324Val). The alanine residue is moderately conserved and there is a small physicochemical difference between alanine and valine. This variant is not present in population databases (ExAC no frequency). This variant has not been reported in the literature in individuals with JMJD1C-related conditions. Algorithms developed to predict the effect of missense changes on protein structure and function (SIFT, PolyPhen-2, Align-GVGD) all suggest that this variant is likely to be tolerated, but these predictions have not been confirmed by published functional studies and their clinical significance is uncertain. In summary, the available evidence is currently insufficient to determine the role of this variant in disease. Therefore, it has been classified as a Variant of Uncertain Significance.